The following is an entry in ClinVar:

NM_001171613.2(PREPL):c.22A>G (p.Arg8Gly)

Gene: PREPL (prolyl endopeptidase like; minus strand). Cytogenetic location: 2p21.
Variant type: single nucleotide variant.
Coding change: c.22A>G on transcript NM_001171613.2 (MANE Select); coding-DNA position 22, A replaced by G.
Protein change: p.Arg8Gly; replaces arginine 8 with glycine.
Molecular consequence: missense variant.
Genome position (GRCh38, 1-based): chr2:44,346,321, T>C on the plus strand (A>G on the coding strand, the complement: PREPL is on the minus strand). VCF-style: chr2-44346321-T-C. GRCh37 (hg19) VCF-style: chr2-44573460-T-C.
Other names: c.289A>G, p.Arg97Gly (NM_001042385.2, NM_001042386.2, NM_001171603.1 and 4 more transcripts); c.22A>G, p.Arg8Gly (NM_001171617.1, NM_001374277.1); short protein forms R8G, R97G.
Identifiers: ClinVar variation 1008337 (VCV001008337.9), dbSNP rs137924736, ClinGen allele CA46555593.

ClinVar aggregate classification (germline): Uncertain significance. Review status: criteria provided, multiple submitters, no conflicts (2 of 4 stars). 2 submissions from 2 submitters: Uncertain significance (2). Last evaluated 2025-04-12.

Conditions:
Myasthenic syndrome, congenital, 22 (CMS22). Also called: PREPL DEFICIENCY. Identifiers: MedGen C4479088, MONDO:0044299, OMIM 616224.
Inborn genetic diseases. Identifiers: MedGen C0950123, MeSH D030342.

Allele frequency attached by ClinVar (database versions not stated): TOPMed below 0.00001; gnomAD exomes 0.00001; ESP Exome Variant Server 0.00008.
gnomAD v4.1: 10 of 1,612,440 alleles (0.00062%); highest among the groups gnomAD compares: Non-Finnish European, 0.00085%; no homozygotes.

Submissions (2):

Ambry Genetics
Classification: Uncertain significance for Inborn genetic diseases. Last evaluated: 2025-04-12. Review status: criteria provided, single submitter. Criteria: Ambry Variant Classification Scheme 2023. Collection method: clinical testing. Allele origin: germline.

Labcorp Genetics (formerly Invitae), Labcorp
Classification: Uncertain significance for Myasthenic syndrome, congenital, 22. Last evaluated: 2020-03-07. Review status: criteria provided, single submitter. Criteria: Invitae Variant Classification Sherloc (09022015). Collection method: clinical testing. Allele origin: germline.
Comment: This sequence change replaces arginine with glycine at codon 97 of the PREPL protein (p.Arg97Gly). The arginine residue is moderately conserved and there is a moderate physicochemical difference between arginine and glycine. This variant is not present in population databases (ExAC no frequency). This variant has not been reported in the literature in individuals with PREPL-related conditions. Algorithms developed to predict the effect of missense changes on protein structure and function are either unavailable or do not agree on the potential impact of this missense change (SIFT: "Deleterious"; PolyPhen-2: "Benign"; Align-GVGD: "Class C0"). In summary, the available evidence is currently insufficient to determine the role of this variant in disease. Therefore, it has been classified as a Variant of Uncertain Significance.